The following is an entry in ClinVar:

NM_004946.3(DOCK2):c.5165G>A (p.Arg1722Gln)

Gene: DOCK2 (dedicator of cytokinesis 2; plus strand). Cytogenetic location: 5q35.1.
Variant type: single nucleotide variant.
Coding change: c.5165G>A on transcript NM_004946.3 (MANE Select); coding-DNA position 5165, G replaced by A.
Protein change: p.Arg1722Gln; replaces arginine 1722 with glutamine.
Molecular consequence: missense variant. On other transcripts: non-coding transcript variant (1).
Genome position (GRCh38, 1-based): chr5:170,079,145, G>A. VCF-style: chr5-170079145-G-A. GRCh37 (hg19) VCF-style: chr5-169506149-G-A.
Other names: c.5165G>A, p.Arg1722Gln (LRG_1227t1); short protein forms R1722Q.
Identifiers: ClinVar variation 573836 (VCV000573836.12), dbSNP rs199698060, ClinGen allele CA3554777.
Genomic context (GRCh38, chr5:170,079,145, plus strand): 5'-CAAAGAGAAGCAGCGTAGTTTTTGCGGATGAGAAAGCAGCTGCAGAGTCGGACCTGAAGC[G>A]GGTGAGTGGCTGAGGCAGATTGCCTCTCCAGCGCTGTTAGCACATTTCCACTACATGCTG-3'
Protein context (NP_004937.1, residues 1712-1732): EKAAAESDLK[Arg1722Gln]LSRKHEFMSD

ClinVar aggregate classification (germline): Uncertain significance. Review status: criteria provided, multiple submitters, no conflicts (2 of 4 stars). 4 submissions from 4 submitters: Uncertain significance (4). Last evaluated 2024-11-20.

Conditions:
DOCK2 deficiency. Also called: Immunodeficiency 40. Identifiers: Orphanet 447737, MedGen C4225328, MONDO:0014637, OMIM 616433.

Allele frequency attached by ClinVar (database versions not stated): 1000 Genomes Project 30x 0.00031; ESP Exome Variant Server 0.00031; 1000 Genomes Project 0.00040; ExAC 0.00043; gnomAD exomes 0.00044 and 0.00066; gnomAD 0.00052 and 0.00053; TOPMed 0.00061.
gnomAD v4.1: 1,045 of 1,612,982 alleles (0.065%); highest among the groups gnomAD compares: Non-Finnish European, 0.078%; no homozygotes.

Submissions (4):

Blueprint Genetics
Classification: Uncertain significance. Last evaluated: 2024-11-20. Review status: criteria provided, single submitter. Criteria: ACMG Guidelines, 2015. Collection method: clinical testing. Allele origin: germline.

Fulgent Genetics
Classification: Uncertain significance for DOCK2 deficiency. Last evaluated: 2024-04-29. Review status: criteria provided, single submitter. Criteria: ACMG Guidelines, 2015. Collection method: clinical testing. Allele origin: germline.

Labcorp Genetics (formerly Invitae), Labcorp
Classification: Uncertain significance for DOCK2 deficiency. Last evaluated: 2024-01-29. Review status: criteria provided, single submitter. Criteria: Invitae Variant Classification Sherloc (09022015). Collection method: clinical testing. Allele origin: germline.
Comment: This sequence change replaces arginine, which is basic and polar, with glutamine, which is neutral and polar, at codon 1722 of the DOCK2 protein (p.Arg1722Gln). This variant is present in population databases (rs199698060, gnomAD 0.07%), and has an allele count higher than expected for a pathogenic variant. This variant has not been reported in the literature in individuals affected with DOCK2-related conditions. ClinVar contains an entry for this variant (Variation ID: 573836). An algorithm developed to predict the effect of missense changes on protein structure and function (PolyPhen-2) suggests that this variant¬†is likely to be tolerated. In summary, the available evidence is currently insufficient to determine the role of this variant in disease. Therefore, it has been classified as a Variant of Uncertain Significance.

Breakthrough Genomics
Classification: Uncertain significance. Review status: criteria provided, single submitter. Criteria: ACMG Guidelines, 2015. Collection method: not provided. Allele origin: germline. Inheritance: Autosomal recessive inheritance. Affected: yes.